The following is an entry in ClinVar:

NM_001376.5(DYNC1H1):c.4447A>G (p.Lys1483Glu)

Gene: DYNC1H1 (dynein cytoplasmic 1 heavy chain 1; plus strand). Cytogenetic location: 14q32.31.
Variant type: single nucleotide variant.
Coding change: c.4447A>G on transcript NM_001376.5 (MANE Select); coding-DNA position 4447, A replaced by G.
Protein change: p.Lys1483Glu; replaces lysine 1483 with glutamic acid.
Molecular consequence: missense variant.
Genome position (GRCh38, 1-based): chr14:102,001,586, A>G. VCF-style: chr14-102001586-A-G. GRCh37 (hg19) VCF-style: chr14-102467923-A-G.
Other names: short protein forms K1483E.
Identifiers: ClinVar variation 4802049 (VCV004802049.1).

ClinVar aggregate classification (germline): Uncertain significance (1 of 4 stars; one submission).

Conditions:
Charcot-Marie-Tooth disease axonal type 2O. Also called: CHARCOT-MARIE-TOOTH NEUROPATHY, AXONAL, TYPE 2O; CHARCOT-MARIE-TOOTH DISEASE, AXONAL, AUTOSOMAL DOMINANT, TYPE 2O; Charcot-Marie-Tooth Neuropathy Type 2O; Charcot-Marie-Tooth disease, axonal, type 20. Identifiers: Orphanet 284232, MedGen C3280220, MONDO:0013644, OMIM 614228.

Submission:

Labcorp Genetics (formerly Invitae), Labcorp
Classification: Uncertain significance for Charcot-Marie-Tooth disease axonal type 2O. Last evaluated: 2025-03-24. Review status: criteria provided, single submitter. Criteria: Invitae Variant Classification Sherloc (09022015). Collection method: clinical testing. Allele origin: germline.
Comment: This sequence change replaces lysine, which is basic and polar, with glutamic acid, which is acidic and polar, at codon 1483 of the DYNC1H1 protein (p.Lys1483Glu). This variant is not present in population databases (gnomAD no frequency). This variant has not been reported in the literature in individuals affected with DYNC1H1-related conditions. Invitae Evidence Modeling of protein sequence and biophysical properties (such as structural, functional, and spatial information, amino acid conservation, physicochemical variation, residue mobility, and thermodynamic stability) indicates that this missense variant is expected to disrupt DYNC1H1 protein function with a positive predictive value of 95%. In summary, the available evidence is currently insufficient to determine the role of this variant in disease. Therefore, it has been classified as a Variant of Uncertain Significance.